The following is an entry in ClinVar:

ClinVar aggregate classification (germline): Uncertain significance (1 of 4 stars; one submission).

gnomAD v4.1: 2 of 1,613,922 alleles (0.00012%); highest among the groups gnomAD compares: South Asian, 0.0011%; no homozygotes.

Submission:

Labcorp Genetics (formerly Invitae), Labcorp
Classification: Uncertain significance. Last evaluated: 2022-04-24. Review status: criteria provided, single submitter. Criteria: Invitae Variant Classification Sherloc (09022015). Collection method: clinical testing. Allele origin: germline.
Comment: In summary, the available evidence is currently insufficient to determine the role of this variant in disease. Therefore, it has been classified as a Variant of Uncertain Significance. Algorithms developed to predict the effect of missense changes on protein structure and function (SIFT, PolyPhen-2, Align-GVGD) all suggest that this variant is likely to be tolerated. This variant has not been reported in the literature in individuals affected with SBF1-related conditions. This variant is present in population databases (no rsID available, gnomAD 0.01%). This sequence change replaces leucine, which is neutral and non-polar, with phenylalanine, which is neutral and non-polar, at codon 1750 of the SBF1 protein (p.Leu1750Phe).

NM_002972.4(SBF1):c.5248C>T (p.Leu1750Phe)

Gene: SBF1 (SET binding factor 1; minus strand). Cytogenetic location: 22q13.33.
Variant type: single nucleotide variant.
Coding change: c.5248C>T on transcript NM_002972.4 (MANE Select); coding-DNA position 5248, C replaced by T.
Protein change: p.Leu1750Phe; replaces leucine 1750 with phenylalanine.
Molecular consequence: missense variant.
Genome position (GRCh38, 1-based): chr22:50,448,348, G>A on the plus strand (C>T on the coding strand, the complement: SBF1 is on the minus strand). VCF-style: chr22-50448348-G-A. GRCh37 (hg19) VCF-style: chr22-50886777-G-A.
Other names: c.5248C>T, p.Leu1750Phe (NM_197971.1); c.5173C>T, p.Leu1725Phe (NM_001365819.1); c.5251C>T, p.Leu1751Phe (NM_001410794.1); c.5170C>T, p.Leu1724Phe (NM_001410795.1); short protein forms L1724F, L1750F, L1725F, L1751F.
Identifiers: ClinVar variation 2108015 (VCV002108015.4), dbSNP rs902782859, ClinGen allele CA325524714.